The following is an entry in ClinVar:

ClinVar aggregate classification (germline): Conflicting classifications of pathogenicity. Review status: criteria provided, conflicting classifications (1 of 4 stars). 2 submissions from 2 submitters: Pathogenic (1); Uncertain significance (1). Last evaluated 2024-12-27.

Conditions:
GLRA1-related disorder. Also called: GLRA1-related condition.
Hereditary hyperekplexia. Identifiers: Orphanet 3197, MedGen C4084968, MONDO:0021022.

Submissions (2):

PreventionGenetics, part of Exact Sciences
Classification: Uncertain significance for GLRA1-related condition. Last evaluated: 2024-12-27. Review status: criteria provided, single submitter. Criteria: ACMG Guidelines, 2015. Collection method: clinical testing. Allele origin: germline.
Comment: The GLRA1 c.991_1000del10 variant is predicted to result in a frameshift and premature protein termination (p.Ala331Leufs*137). This variant occurs within exon 8, disrupts the native stop codon within exon 9, and extends the protein coding sequence by 18 amino acids. To our knowledge, this variant has not been reported in the literature or in a large population database (gnomAD), indicating this variant is rare. Functional analysis has suggested that disruption of the basic RRKRRH motif (amino acids p.346-p.351) at the end of exon 8 leads to incorrect protein folding and disruption of trafficking (Schaefer et al. 2018. PubMed ID: 30186111; Villmann et al. 2009. PubMed ID: 19244519). Although we suspect that this variant may be pathogenic, at this time, the clinical significance of this variant is uncertain due to the absence of conclusive functional and genetic evidence.

Labcorp Genetics (formerly Invitae), Labcorp
Classification: Pathogenic for Hereditary hyperekplexia. Last evaluated: 2023-05-09. Review status: criteria provided, single submitter. Criteria: Invitae Variant Classification Sherloc (09022015). Collection method: clinical testing. Allele origin: germline.
Comment: For these reasons, this variant has been classified as Pathogenic. This variant disrupts a region of the GLRA1 protein in which other variant(s) (p.Arg420His) have been determined to be pathogenic (PMID: 10514101, 12169101, 19732286, 25036534). This suggests that this is a clinically significant region of the protein, and that variants that disrupt it are likely to be disease-causing. This variant has not been reported in the literature in individuals affected with GLRA1-related conditions. This variant is not present in population databases (gnomAD no frequency). This sequence change results in a frameshift in the GLRA1 gene (p.Ala331Leufs*137). While this is not anticipated to result in nonsense mediated decay, it is expected to disrupt the last 119 amino acid(s) of the GLRA1 protein and extend the protein by 17 additional amino acid residues.

Literature cited by the submitters: PubMed 10514101 (cited by Labcorp Genetics (formerly Invitae), Labcorp); PubMed 12169101 (cited by Labcorp Genetics (formerly Invitae), Labcorp); PubMed 19732286 (cited by Labcorp Genetics (formerly Invitae), Labcorp); PubMed 25036534 (cited by Labcorp Genetics (formerly Invitae), Labcorp).

NM_000171.4(GLRA1):c.991_1000del (p.Ala331fs)

Gene: GLRA1 (glycine receptor alpha 1; minus strand). Cytogenetic location: 5q33.1.
Variant type: Deletion.
Coding change: c.991_1000del on transcript NM_000171.4 (MANE Select); coding-DNA positions 991 to 1000, 10 bases deleted (GCCGTTAACT; older notation c.991_1000delGCCGTTAACT).
Protein change: p.Ala331fs; shifts the reading frame from alanine 331.
Molecular consequence: frameshift variant.
Genome position (GRCh38, 1-based): chr5:151,828,980-151,828,989, AGTTAACGGC deleted on the plus strand (GCCGTTAACT on the coding strand, the reverse complement: GLRA1 is on the minus strand); deleting any 10 consecutive bases within chr5:151,828,980-151,828,991 gives the same sequence; the c. name uses the placement nearest the transcript's 3' end. VCF-style (leftmost placement, unchanged base first): chr5-151828979-AAGTTAACGGC-A. GRCh37 (hg19) VCF-style: chr5-151208540-AAGTTAACGGC-A.
Other names: c.991_1000del, p.Ala331fs (NM_001146040.2); c.742_751del, p.Ala248fs (NM_001292000.2); c.991_1000del10 (NM_000171.3); short protein forms A331fs, A248fs.
Identifiers: ClinVar variation 3019359 (VCV003019359.4), dbSNP rs1763348882, ClinGen allele CA1591567992.
Genomic context (GRCh38, chr5:151,828,979, plus strand): 5'-ACCTTGTGATGTCTCCGCTTCCTCCTGAATCGGAGCAGCTCCTTATGTTGCCGAGACACA[AAGTTAACGGC>A]AGCATATTCTAATAGGGCTGAGAACACAAAGAGCAGGCAAACTGCCATCCAAATGTCAAT-3'